The following is an entry in ClinVar:

NM_001077706.3(ECT2L):c.2227C>T (p.Gln743Ter)

Gene: ECT2L (epithelial cell transforming 2 like; plus strand). Cytogenetic location: 6q24.1.
Variant type: single nucleotide variant.
Coding change: c.2227C>T on transcript NM_001077706.3 (MANE Select); coding-DNA position 2227, C replaced by T.
Protein change: p.Gln743Ter; replaces glutamine 743 with a stop codon.
Molecular consequence: nonsense.
Genome position (GRCh38, 1-based): chr6:138,885,798, C>T. VCF-style: chr6-138885798-C-T. GRCh37 (hg19) VCF-style: chr6-139206935-C-T.
Other names: c.2227C>T, p.Gln743Ter (NM_001195037.2); short protein forms Q743*.
Identifiers: ClinVar variation 134000 (VCV000134000.1), dbSNP rs199963616, ClinGen allele CA158378.
Genomic context (GRCh38, chr6:138,885,798, plus strand): 5'-GTCAGGCTTCATACCCCTGCAGAGCATGTTGACCGTGGGGACTTGACCACTGCAATTGAC[C>T]AAATCAAAAAATATAAAGGTTATATAGATCAGGTTGGTTGCTGATAAGAATCTGTGTCCT-3'

ClinVar aggregate classification (germline): not provided (0 of 4 stars; one submission).

Allele frequency attached by ClinVar (database versions not stated): ExAC 0.00094; gnomAD exomes 0.00097; 1000 Genomes Project 0.00100; gnomAD 0.00101 and 0.00103; 1000 Genomes Project 30x 0.00109; TOPMed 0.00129; ESP Exome Variant Server 0.00130.
gnomAD v4.1: 2,545 of 1,613,078 alleles (0.16%); highest among the groups gnomAD compares: Non-Finnish European, 0.2%; 5 homozygotes.

Submission:

ITMI
No classification provided. Condition: AllHighlyPenetrant. Last evaluated: 2013-09-19. Review status: no classification provided. Collection method: reference population. Allele origin: germline.
Comment: Please see associated publication for description of ethnicities

Literature cited by the submitters: PubMed 24728327.